The following is an entry in ClinVar:

NM_014989.7(RIMS1):c.4261G>C (p.Gly1421Arg)

Gene: RIMS1 (regulating synaptic membrane exocytosis 1; plus strand). Cytogenetic location: 6q13.
Variant type: single nucleotide variant.
Coding change: c.4261G>C on transcript NM_014989.7 (MANE Select); coding-DNA position 4261, G replaced by C.
Protein change: p.Gly1421Arg; replaces glycine 1421 with arginine.
Molecular consequence: missense variant. On other transcripts: intron variant (24).
Genome position (GRCh38, 1-based): chr6:72,333,730, G>C. VCF-style: chr6-72333730-G-C. GRCh37 (hg19) VCF-style: chr6-73043433-G-C.
Other names: c.2149G>C, p.Gly717Arg (NM_001350441.2); c.2122G>C, p.Gly708Arg (NM_001350443.2); c.1996G>C, p.Gly666Arg (NM_001350444.2); c.2407G>C, p.Gly803Arg (NM_001350446.2); c.2068G>C, p.Gly690Arg (NM_001350447.2); c.2224G>C, p.Gly742Arg (NM_001350448.2); c.2131G>C, p.Gly711Arg (NM_001350454.2); c.2404G>C, p.Gly802Arg (NM_001350456.2); and 53 more; short protein forms G585R, G688R, G694R, G708R, G721R, G724R, G760R, G805R.
Identifiers: ClinVar variation 1494645 (VCV001494645.6), dbSNP rs375678476, ClinGen allele CA3886475.

ClinVar aggregate classification (germline): Uncertain significance (1 of 4 stars; one submission).

Allele frequency attached by ClinVar (database versions not stated): gnomAD 0.00001; TOPMed 0.00001; ExAC 0.00002; ESP Exome Variant Server 0.00008.

Submission:

Labcorp Genetics (formerly Invitae), Labcorp
Classification: Uncertain significance. Last evaluated: 2022-08-23. Review status: criteria provided, single submitter. Criteria: Invitae Variant Classification Sherloc (09022015). Collection method: clinical testing. Allele origin: germline.
Comment: This sequence change replaces glycine, which is neutral and non-polar, with arginine, which is basic and polar, at codon 1421 of the RIMS1 protein (p.Gly1421Arg). This variant is present in population databases (rs375678476, gnomAD 0.002%). This variant has not been reported in the literature in individuals affected with RIMS1-related conditions. ClinVar contains an entry for this variant (Variation ID: 1494645). Algorithms developed to predict the effect of missense changes on protein structure and function (SIFT, PolyPhen-2, Align-GVGD) all suggest that this variant is likely to be disruptive. In summary, the available evidence is currently insufficient to determine the role of this variant in disease. Therefore, it has been classified as a Variant of Uncertain Significance.